The following is an entry in ClinVar:

NM_017802.4(DNAAF5):c.1015C>T (p.Pro339Ser)

Gene: DNAAF5 (dynein axonemal assembly factor 5; plus strand). Cytogenetic location: 7p22.3.
Variant type: single nucleotide variant.
Coding change: c.1015C>T on transcript NM_017802.4 (MANE Select); coding-DNA position 1015, C replaced by T.
Protein change: p.Pro339Ser; replaces proline 339 with serine.
Molecular consequence: missense variant. On other transcripts: non-coding transcript variant (1).
Genome position (GRCh38, 1-based): chr7:741,456, C>T. VCF-style: chr7-741456-C-T. GRCh37 (hg19) VCF-style: chr7-781093-C-T.
Other names: short protein forms P339S.
Identifiers: ClinVar variation 1742022 (VCV001742022.2), dbSNP rs1186754208, ClinGen allele CA366534665.

ClinVar aggregate classification (germline): Uncertain significance (1 of 4 stars; one submission).

Conditions:
Primary ciliary dyskinesia. Also called: Ciliary dyskinesia. Identifiers: Orphanet 244, MedGen C0008780, MONDO:0016575, HP:0012265.

Allele frequency attached by ClinVar (database versions not stated): TOPMed below 0.00001; gnomAD 0.00001.
gnomAD v4.1: 10 of 1,369,768 alleles (0.00073%); highest among the groups gnomAD compares: African/African-American, 0.0014%; no homozygotes.

Submission:

Ambry Genetics
Classification: Uncertain significance for Primary ciliary dyskinesia. Last evaluated: 2021-01-11. Review status: criteria provided, single submitter. Criteria: Ambry Variant Classification Scheme 2023. Collection method: clinical testing. Allele origin: germline.
Comment: The p.P339S variant (also known as c.1015C>T), located in coding exon 4 of the DNAAF5 gene, results from a C to T substitution at nucleotide position 1015. The proline at codon 339 is replaced by serine, an amino acid with similar properties. This amino acid position is highly conserved in available vertebrate species. In addition, this alteration is predicted to be tolerated by in silico analysis. Since supporting evidence is limited at this time, the clinical significance of this alteration remains unclear.